The following is an entry in ClinVar:

ClinVar aggregate classification (germline): Pathogenic. Review status: criteria provided, single submitter (1 of 4 stars). 2 submissions from 1 submitter: Pathogenic (1). 1 of the submissions does not count toward it. Last evaluated 2022-08-18.

Conditions:
Autosomal recessive juvenile Parkinson disease 2. Also called: Parkinson disease autosomal recessive, early onset; Juvenile parkinsonism; Parkinsonism, early onset, with diurnal fluctuation; PRKN-Related Early-Onset Parkinson Disease; PARKINSON DISEASE, JUVENILE, AUTOSOMAL RECESSIVE; Parkinson disease, juvenile, type 2. Identifiers: Orphanet 2828, MedGen C1868675, MONDO:0010820, OMIM 600116.

Submissions (2):

Labcorp Genetics (formerly Invitae), Labcorp
Classification: Pathogenic. Last evaluated: 2022-08-18. Review status: criteria provided, single submitter. Criteria: Invitae Variant Classification Sherloc (09022015). Collection method: clinical testing. Allele origin: germline.
Comment: This variant is a gross deletion of the genomic region encompassing exon(s) 3-4 of the PRKN gene. This variant would be expected to be in-frame, preserving the integrity of the reading frame. A similar copy number variant has been observed in individuals with early-onset Parkinson's disease (PMID: 10983716, 24375549, 24677602, 25833766). It has also been observed to segregate with disease in related individuals. For these reasons, this variant has been classified as Pathogenic.

Labcorp Genetics (formerly Invitae), Labcorp
Classification: Pathogenic for Parkinson disease 2. Last evaluated: 2018-06-26. Review status: flagged submission. Criteria: Invitae Variant Classification Sherloc (09022015). Collection method: clinical testing. Allele origin: germline. Not counted in ClinVar's aggregate classification.
Comment: This variant is an in-frame deletion of the genomic region encompassing exons 3-4 of the PARK2 gene. It preserves the integrity of the reading frame. A similar deletion ofÂ¬â€ exons 3-4 has been reported in the literature in multiple individuals and families affected with early-onset Parkinson's disease (PMID: 10983716, 25833766, 24677602, 24375549). For these reasons, this variant has been classified as Pathogenic.
ClinVar note: Reason: This record appears to be redundant with a more recent record from the same submitter.
ClinVar note: Notes: SCV000645373 appears to be redundant with SCV002234337.

Literature cited by the submitters: PubMed 10983716; PubMed 24375549; PubMed 24677602; PubMed 25833766.

NC_000006.12:g.(?_162201111)_(162262785_?)del

Genes: LNCR-SMAL (lncRNA senescence and mitophagy associated regulator of PRKN; plus strand), PRKN (parkin RBR E3 ubiquitin protein ligase; minus strand), LOC126859871 (MED14-independent group 3 enhancer GRCh37_chr6:162621359-162622558; plus strand). Cytogenetic location: 6q26.
Variant type: Deletion.
Identifiers: ClinVar variation 468579 (VCV000468579.6).